The following is an entry in ClinVar:

ClinVar aggregate classification (germline): Uncertain significance (1 of 4 stars; one submission).

Conditions:
Leber congenital amaurosis 3 (LCA3). Also called: SPATA7-Related Retinitis Pigmentosa. Identifiers: MedGen C1858677, MONDO:0011415, OMIM 604232.

Allele frequency attached by ClinVar (database versions not stated): ExAC 0.00001; gnomAD exomes 0.00001.
gnomAD v4.1: 5 of 1,609,722 alleles (0.00031%); highest among the groups gnomAD compares: Non-Finnish European, 0.00042%; no homozygotes.

Submission:

Labcorp Genetics (formerly Invitae), Labcorp
Classification: Uncertain significance for Leber congenital amaurosis 3. Last evaluated: 2022-05-03. Review status: criteria provided, single submitter. Criteria: Invitae Variant Classification Sherloc (09022015). Collection method: clinical testing. Allele origin: germline.
Comment: This sequence change replaces leucine, which is neutral and non-polar, with phenylalanine, which is neutral and non-polar, at codon 381 of the SPATA7 protein (p.Leu381Phe). In summary, the available evidence is currently insufficient to determine the role of this variant in disease. Therefore, it has been classified as a Variant of Uncertain Significance. Algorithms developed to predict the effect of missense changes on protein structure and function are either unavailable or do not agree on the potential impact of this missense change (SIFT: "Deleterious"; PolyPhen-2: "Probably Damaging"; Align-GVGD: "Class C0"). This variant has not been reported in the literature in individuals affected with SPATA7-related conditions. This variant is present in population databases (rs770831381, gnomAD 0.0009%).

NM_018418.5(SPATA7):c.1141C>T (p.Leu381Phe)

Gene: SPATA7 (spermatogenesis associated 7; plus strand). Cytogenetic location: 14q31.3.
Variant type: single nucleotide variant.
Coding change: c.1141C>T on transcript NM_018418.5 (MANE Select); coding-DNA position 1141, C replaced by T.
Protein change: p.Leu381Phe; replaces leucine 381 with phenylalanine.
Molecular consequence: missense variant.
Genome position (GRCh38, 1-based): chr14:88,433,193, C>T. VCF-style: chr14-88433193-C-T. GRCh37 (hg19) VCF-style: chr14-88899537-C-T.
Other names: c.1045C>T, p.Leu349Phe (NM_001040428.4); short protein forms L349F, L381F.
Identifiers: ClinVar variation 1499249 (VCV001499249.6), dbSNP rs770831381, ClinGen allele CA7298735.